The following is an entry in ClinVar:

NM_004947.5(DOCK3):c.6058C>T (p.Arg2020Cys)

Gene: DOCK3 (dedicator of cytokinesis 3; plus strand). Cytogenetic location: 3p21.2.
Variant type: single nucleotide variant.
Coding change: c.6058C>T on transcript NM_004947.5 (MANE Select); coding-DNA position 6058, C replaced by T.
Protein change: p.Arg2020Cys; replaces arginine 2020 with cysteine.
Molecular consequence: missense variant.
Genome position (GRCh38, 1-based): chr3:51,381,524, C>T. VCF-style: chr3-51381524-C-T. GRCh37 (hg19) VCF-style: chr3-51418955-C-T.
Other names: c.6058C>T (NM_004947.4); short protein forms R2020C.
Identifiers: ClinVar variation 2653869 (VCV002653869.26), dbSNP rs564564999, ClinGen allele CA2422202.

ClinVar aggregate classification (germline): Uncertain significance. Review status: criteria provided, multiple submitters, no conflicts (2 of 4 stars). 4 submissions from 4 submitters: Uncertain significance (4). Last evaluated 2025-05-23.

Conditions:
Inborn genetic diseases. Identifiers: MedGen C0950123, MeSH D030342.

Allele frequency attached by ClinVar (database versions not stated): gnomAD 0.00023; 1000 Genomes Project 30x 0.00031; 1000 Genomes Project 0.00040; gnomAD exomes 0.00044; ExAC 0.00048; TOPMed 0.00060.
gnomAD v4.1: 664 of 1,569,092 alleles (0.042%); highest among the groups gnomAD compares: Non-Finnish European, 0.052%; no homozygotes.

Submissions (4):

Ambry Genetics
Classification: Uncertain significance for Inborn genetic diseases. Last evaluated: 2025-05-23. Review status: criteria provided, single submitter. Criteria: Ambry Variant Classification Scheme 2023. Collection method: clinical testing. Allele origin: germline.

Blueprint Genetics
Classification: Uncertain significance. Last evaluated: 2024-11-13. Review status: criteria provided, single submitter. Criteria: ACMG Guidelines, 2015. Collection method: clinical testing. Allele origin: germline.

GeneDx
Classification: Uncertain significance. Last evaluated: 2022-10-27. Review status: criteria provided, single submitter. Criteria: GeneDx Variant Classification Process June 2021. Collection method: clinical testing. Allele origin: germline. Affected: yes.
Comment: In silico analysis supports that this missense variant does not alter protein structure/function; Has not been previously published as pathogenic or benign to our knowledge; Variants in candidate genes are classified as variants of uncertain significance in accordance with ACMG guidelines (Richards et al., 2015)

CeGaT Center for Human Genetics Tuebingen
Classification: Uncertain significance. Last evaluated: 2022-07-01. Review status: criteria provided, single submitter. Criteria: CeGaT Center For Human Genetics Tuebingen Variant Classification Criteria Version 2. Collection method: clinical testing. Allele origin: germline. Affected: yes. Observed: 1 variant allele.
Comment: DOCK3: PP2